The following is an entry in ClinVar:

ClinVar aggregate classification (germline): Uncertain significance (1 of 4 stars; one submission).

Conditions:
Retinoblastoma (RB1). Also called: RETINOBLASTOMA, SOMATIC. Identifiers: Orphanet 790, MedGen C0035335, MeSH D012175, MONDO:0008380, OMIM 180200, HP:0009919. Disease mechanism: loss of function. Inheritance: Both sporadic and heritable forms are tested..

Submission:

Labcorp Genetics (formerly Invitae), Labcorp
Classification: Uncertain significance for Retinoblastoma. Last evaluated: 2022-11-23. Review status: criteria provided, single submitter. Criteria: Invitae Variant Classification Sherloc (09022015). Collection method: clinical testing. Allele origin: germline.
Comment: Advanced modeling of protein sequence and biophysical properties (such as structural, functional, and spatial information, amino acid conservation, physicochemical variation, residue mobility, and thermodynamic stability) performed at Invitae indicates that this missense variant is expected to disrupt RB1 protein function. In summary, the available evidence is currently insufficient to determine the role of this variant in disease. Therefore, it has been classified as a Variant of Uncertain Significance. This variant has not been reported in the literature in individuals affected with RB1-related conditions. This variant is not present in population databases (gnomAD no frequency). This sequence change replaces leucine, which is neutral and non-polar, with methionine, which is neutral and non-polar, at codon 477 of the RB1 protein (p.Leu477Met).

NM_000321.3(RB1):c.1429C>A (p.Leu477Met)

Gene: RB1 (RB transcriptional corepressor 1; plus strand). Cytogenetic location: 13q14.2.
Variant type: single nucleotide variant.
Coding change: c.1429C>A on transcript NM_000321.3 (MANE Select); coding-DNA position 1429, C replaced by A.
Protein change: p.Leu477Met; replaces leucine 477 with methionine.
Molecular consequence: missense variant.
Genome position (GRCh38, 1-based): chr13:48,380,172, C>A. VCF-style: chr13-48380172-C-A. GRCh37 (hg19) VCF-style: chr13-48954308-C-A.
Other names: c.1429C>A, p.Leu477Met (NM_001407165.1, NM_001407166.1); short protein forms L477M.
Identifiers: ClinVar variation 2815713 (VCV002815713.3), dbSNP rs2138142756, ClinGen allele CA388162771.
Genomic context (GRCh38, chr13:48,380,172, plus strand): 5'-TTTTTTCTTTTTATAGAAGTAAGTATTTTATAATCTTTTTTTTTTTCCTTTAGCAAACTT[C>A]TGAATGACAACATTTTTCATATGTCTTTATTGGCGTGCGCTCTTGAGGTTGTAATGGCCA-3'
Protein context (NP_000312.2, residues 467-487): RLSIQNFSKL[Leu477Met]NDNIFHMSLL